The following is an entry in ClinVar:

ClinVar aggregate classification (germline): Uncertain significance (1 of 4 stars; one submission).

Conditions:
Bethlem myopathy 1A. Also called: Bethlem Muscular Dystrophy; MYOPATHY, BENIGN CONGENITAL, WITH CONTRACTURES; Bethlem myopathy 1. Identifiers: Orphanet 610, MedGen CN029274, MONDO:0024530, OMIM 158810.

Submission:

Labcorp Genetics (formerly Invitae), Labcorp
Classification: Uncertain significance for Bethlem myopathy 1A. Last evaluated: 2023-05-23. Review status: criteria provided, single submitter. Criteria: Invitae Variant Classification Sherloc (09022015). Collection method: clinical testing. Allele origin: germline.
Comment: In summary, the available evidence is currently insufficient to determine the role of this variant in disease. Therefore, it has been classified as a Variant of Uncertain Significance. Advanced modeling of protein sequence and biophysical properties (such as structural, functional, and spatial information, amino acid conservation, physicochemical variation, residue mobility, and thermodynamic stability) performed at Invitae indicates that this missense variant is not expected to disrupt COL6A1 protein function. ClinVar contains an entry for this variant (Variation ID: 938348). This variant has not been reported in the literature in individuals affected with COL6A1-related conditions. This variant is not present in population databases (gnomAD no frequency). This sequence change replaces isoleucine, which is neutral and non-polar, with threonine, which is neutral and polar, at codon 235 of the COL6A1 protein (p.Ile235Thr).

NM_001848.3(COL6A1):c.704T>C (p.Ile235Thr)

Gene: COL6A1 (collagen type VI alpha 1 chain; plus strand). Cytogenetic location: 21q22.3.
Variant type: single nucleotide variant.
Coding change: c.704T>C on transcript NM_001848.3 (MANE Select); coding-DNA position 704, T replaced by C.
Protein change: p.Ile235Thr; replaces isoleucine 235 with threonine.
Molecular consequence: missense variant.
Genome position (GRCh38, 1-based): chr21:45,987,059, T>C. VCF-style: chr21-45987059-T-C. GRCh37 (hg19) VCF-style: chr21-47406973-T-C.
Other names: short protein forms I235T.
Identifiers: ClinVar variation 938348 (VCV000938348.10), dbSNP rs2077743440, ClinGen allele CA410519007.